The following is an entry in ClinVar:

NM_021951.3(DMRT1):c.1102G>A (p.Val368Ile)

Gene: DMRT1 (doublesex and mab-3 related transcription factor 1; plus strand). Cytogenetic location: 9p24.3.
Variant type: single nucleotide variant.
Coding change: c.1102G>A on transcript NM_021951.3 (MANE Select); coding-DNA position 1102, G replaced by A.
Protein change: p.Val368Ile; replaces valine 368 with isoleucine.
Molecular consequence: missense variant.
Genome position (GRCh38, 1-based): chr9:968,119, G>A. VCF-style: chr9-968119-G-A. GRCh37 (hg19) VCF-style: chr9-968119-G-A.
Other names: c.628G>A, p.Val210Ile (NM_001363767.1); short protein forms V210I, V368I.
Identifiers: ClinVar variation 2659026 (VCV002659026.24), dbSNP rs2488485251, ClinGen allele CA372775654.

ClinVar aggregate classification (germline): Uncertain significance (1 of 4 stars; one submission).

gnomAD v4.1: 6 of 1,613,392 alleles (0.00037%); highest among the groups gnomAD compares: South Asian, 0.0033%; no homozygotes.

Submission:

CeGaT Center for Human Genetics Tuebingen
Classification: Uncertain significance. Last evaluated: 2023-03-01. Review status: criteria provided, single submitter. Criteria: CeGaT Center For Human Genetics Tuebingen Variant Classification Criteria Version 2. Collection method: clinical testing. Allele origin: germline. Affected: yes. Observed: 1 variant allele.
Comment: DMRT1: PM2, BP4